The following is an entry in ClinVar:

ClinVar aggregate classification (germline): Pathogenic. Review status: criteria provided, single submitter (1 of 4 stars). 2 submissions from 2 submitters: Pathogenic (1). 1 of the submissions does not count toward it. Last evaluated 2021-07-31.

Conditions:
Myofibrillar myopathy 5. Also called: Filaminopathy (type); FILAMINOPATHY, AUTOSOMAL DOMINANT. Identifiers: Orphanet 171445, MedGen C1836050, MONDO:0012289, OMIM 609524.
Distal myopathy with posterior leg and anterior hand involvement. Also called: WILLIAMS DISTAL MYOPATHY. Identifiers: Orphanet 63273, MedGen C3279722, MONDO:0013550, OMIM 614065.
Hypertrophic cardiomyopathy 26. Also called: Cardiomyopathy, familial hypertrophic, 26. Identifiers: Orphanet 75249, MedGen C4310749, MONDO:0014883, OMIM 617047.

Submissions (2):

Labcorp Genetics (formerly Invitae), Labcorp
Classification: Pathogenic for Distal myopathy with posterior leg and anterior hand involvement; Myofibrillar myopathy 5; Hypertrophic cardiomyopathy 26. Last evaluated: 2021-07-31. Review status: criteria provided, single submitter. Criteria: Invitae Variant Classification Sherloc (09022015). Collection method: clinical testing. Allele origin: germline.
Comment: This sequence change replaces alanine with threonine at codon 1539 of the FLNC protein (p.Ala1539Thr). The alanine residue is highly conserved and there is a small physicochemical difference between alanine and threonine. This variant is not present in population databases (ExAC no frequency). This variant has been observed in individual(s) with hypertrophic cardiomyopathy (PMID: 25351925, 28356264, 30418145). It has also been observed to segregate with disease in related individuals. ClinVar contains an entry for this variant (Variation ID: 253123). Experimental studies have shown that this variant affects FLNC protein function (PMID: 25351925). For these reasons, this variant has been classified as Pathogenic.

OMIM
Classification: Pathogenic for CARDIOMYOPATHY, FAMILIAL HYPERTROPHIC, 26. Last evaluated: 2016-07-21. Review status: no assertion criteria provided. Collection method: literature only. Allele origin: germline. Not counted in ClinVar's aggregate classification.

Literature cited by the submitters: PubMed 25351925 (cited by Labcorp Genetics (formerly Invitae), Labcorp and OMIM); PubMed 28356264 (cited by Labcorp Genetics (formerly Invitae), Labcorp); PubMed 30418145 (cited by Labcorp Genetics (formerly Invitae), Labcorp).

NM_001458.5(FLNC):c.4615G>A (p.Ala1539Thr)

Gene: FLNC (filamin C; plus strand). Cytogenetic location: 7q32.1.
Variant type: single nucleotide variant.
Coding change: c.4615G>A on transcript NM_001458.5 (MANE Select); coding-DNA position 4615, G replaced by A.
Protein change: p.Ala1539Thr; replaces alanine 1539 with threonine.
Molecular consequence: missense variant.
Genome position (GRCh38, 1-based): chr7:128,848,595, G>A. VCF-style: chr7-128848595-G-A. GRCh37 (hg19) VCF-style: chr7-128488649-G-A.
Other names: c.4615G>A, p.Ala1539Thr (NM_001127487.2); short protein forms A1539T.
Identifiers: ClinVar variation 253123 (VCV000253123.9), dbSNP rs1562999443, ClinGen allele CA369202147.